The following is an entry in ClinVar:

ClinVar aggregate classification (germline): Uncertain significance (1 of 4 stars; one submission).

Conditions:
Congenital myasthenic syndrome 8. Also called: Myasthenic syndrome, congenital, 8, with pre- and postsynaptic defects; MYASTHENIC SYNDROME, CONGENITAL, DUE TO AGRIN DEFICIENCY. Identifiers: Orphanet 590, MedGen C3808739, MONDO:0014052, OMIM 615120.

Allele frequency attached by ClinVar (database versions not stated): TOPMed 0.00001; 1000 Genomes Project 30x 0.00016.
gnomAD v4.1: 60 of 1,570,164 alleles (0.0038%); highest among the groups gnomAD compares: South Asian, 0.064%; no homozygotes.

Submission:

Labcorp Genetics (formerly Invitae), Labcorp
Classification: Uncertain significance for Congenital myasthenic syndrome 8. Last evaluated: 2024-04-25. Review status: criteria provided, single submitter. Criteria: Invitae Variant Classification Sherloc (09022015). Collection method: clinical testing. Allele origin: germline.
Comment: This sequence change replaces histidine, which is basic and polar, with glutamine, which is neutral and polar, at codon 1803 of the AGRN protein (p.His1803Gln). This variant is present in population databases (rs192987166, gnomAD 0.07%). This variant has not been reported in the literature in individuals affected with AGRN-related conditions. ClinVar contains an entry for this variant (Variation ID: 571775). An algorithm developed to predict the effect of missense changes on protein structure and function (PolyPhen-2) suggests that this variant is likely to be disruptive. In summary, the available evidence is currently insufficient to determine the role of this variant in disease. Therefore, it has been classified as a Variant of Uncertain Significance.

NM_198576.4(AGRN):c.5409C>A (p.His1803Gln)

Gene: AGRN (agrin; plus strand). Cytogenetic location: 1p36.33.
Variant type: single nucleotide variant.
Coding change: c.5409C>A on transcript NM_198576.4 (MANE Select); coding-DNA position 5409, C replaced by A.
Protein change: p.His1803Gln; replaces histidine 1803 with glutamine.
Molecular consequence: missense variant.
Genome position (GRCh38, 1-based): chr1:1,051,491, C>A. VCF-style: chr1-1051491-C-A. GRCh37 (hg19) VCF-style: chr1-986871-C-A.
Other names: c.5421C>A, p.His1807Gln (NM_001305275.2); c.5106C>A, p.His1702Gln (NM_001364727.2); short protein forms H1803Q, H1702Q, H1807Q.
Identifiers: ClinVar variation 571775 (VCV000571775.9), dbSNP rs192987166, ClinGen allele CA510019.
Genomic context (GRCh38, chr1:1,051,491, plus strand): 5'-AGGCCCTCACCCTGCCCTGCAGGTCTCCCTCGGAGGCCGCCAGCTGCTGACCCCGGAGCA[C>A]GTGCTGCGGCAGGTGGACGTCACGTCCTTTGCAGGTCACCCCTGCACCCGGGCCTCAGGC-3'
Protein context (NP_940978.2, residues 1793-1813): LGGRQLLTPE[His1803Gln]VLRQVDVTSF